The following is an entry in ClinVar:

ClinVar aggregate classification (germline): Uncertain significance (1 of 4 stars; one submission).

Allele frequency attached by ClinVar (database versions not stated): TOPMed 0.00001.
gnomAD v4.1: 2 of 1,171,956 alleles (0.00017%); highest among the groups gnomAD compares: East Asian, 0.0059%; no homozygotes.

Submission:

Labcorp Genetics (formerly Invitae), Labcorp
Classification: Uncertain significance. Last evaluated: 2023-12-27. Review status: criteria provided, single submitter. Criteria: Invitae Variant Classification Sherloc (09022015). Collection method: clinical testing. Allele origin: germline.
Comment: This sequence change replaces alanine, which is neutral and non-polar, with valine, which is neutral and non-polar, at codon 119 of the FRMD7 protein (p.Ala119Val). This variant is present in population databases (no rsID available, gnomAD 0.02%). This variant has not been reported in the literature in individuals affected with FRMD7-related conditions. An algorithm developed to predict the effect of missense changes on protein structure and function (PolyPhen-2) suggests that this variant is likely to be disruptive. In summary, the available evidence is currently insufficient to determine the role of this variant in disease. Therefore, it has been classified as a Variant of Uncertain Significance.

NM_194277.3(FRMD7):c.356C>T (p.Ala119Val)

Gene: FRMD7 (FERM domain containing 7; minus strand). Cytogenetic location: Xq26.2.
Variant type: single nucleotide variant.
Coding change: c.356C>T on transcript NM_194277.3 (MANE Select); coding-DNA position 356, C replaced by T.
Protein change: p.Ala119Val; replaces alanine 119 with valine.
Molecular consequence: missense variant.
Genome position (GRCh38, 1-based): chrX:132,094,068, G>A on the plus strand (C>T on the coding strand, the complement: FRMD7 is on the minus strand). VCF-style: chrX-132094068-G-A. GRCh37 (hg19) VCF-style: chrX-131228096-G-A.
Other names: c.311C>T, p.Ala104Val (NM_001306193.2); short protein forms A104V, A119V.
Identifiers: ClinVar variation 2988631 (VCV002988631.3), dbSNP rs1281737720, ClinGen allele CA414681607.
Genomic context (GRCh38, chrX:132,094,068, plus strand): 5'-TAGGTCCCAAAGCAGACAGACATTTGCTACTTACATTGTAAGATGTGAGATACCATCAAC[G>A]CTGTACAGTTGTCACTGCATGGAAGCCTTCCTAGAGCCAAATCCTTCTTTATTTGAAGAG-3'
Protein context (NP_919253.1, residues 109-129): GRLPCSDNCT[Ala119Val]LMVSHILQSE